The following is an entry in ClinVar:

ClinVar aggregate classification (germline): Uncertain significance (1 of 4 stars; one submission).

Submission:

Labcorp Genetics (formerly Invitae), Labcorp
Classification: Uncertain significance. Last evaluated: 2022-07-19. Review status: criteria provided, single submitter. Criteria: Invitae Variant Classification Sherloc (09022015). Collection method: clinical testing. Allele origin: germline.
Comment: In summary, the available evidence is currently insufficient to determine the role of this variant in disease. Therefore, it has been classified as a Variant of Uncertain Significance. Experimental studies and prediction algorithms are not available or were not evaluated, and the functional significance of this variant is currently unknown. This variant, c.1536_1538del, results in the deletion of 1 amino acid(s) of the C2CD3 protein (p.Gln513del), but otherwise preserves the integrity of the reading frame. This variant is present in population databases (rs767287310, gnomAD 0.004%). This variant has not been reported in the literature in individuals affected with C2CD3-related conditions.

NM_001286577.2(C2CD3):c.1533ACA[1] (p.Gln513del)

Gene: C2CD3 (C2 domain containing 3 centriole elongation regulator; minus strand). Cytogenetic location: 11q13.4.
Variant type: Microsatellite.
Coding change: c.1533ACA[1] on transcript NM_001286577.2 (MANE Select); one copy of the 3-base unit ACA starting at c.1533; the reference has two copies in a row; one copy, 3 bases deleted.
Protein change: p.Gln513del; deletes glutamine 513.
Molecular consequence: inframe deletion.
Genome position (GRCh38, 1-based): chr11:74,114,576-74,114,578, TGT deleted on the plus strand (ACA on the coding strand, the reverse complement: C2CD3 is on the minus strand); deleting any 3 consecutive bases within chr11:74,114,576-74,114,582 gives the same sequence; the position shown is the placement nearest the transcript's 3' end. VCF-style (leftmost placement, unchanged base first): chr11-74114575-CTGT-C. GRCh37 (hg19) VCF-style: chr11-73825620-CTGT-C.
Other names: c.1533ACA[1], p.Gln513del (NM_015531.6); short protein forms Q513del.
Identifiers: ClinVar variation 2018203 (VCV002018203.4), dbSNP rs767287310, ClinGen allele CA6182923.
Genomic context (GRCh38, chr11:74,114,575, plus strand): 5'-GGCCAGTCTATCCACACTTAGTGTCATCGTTTGGGCATCTTCTGGAGTTTCTGAGAGCAT[CTGT>C]TGTTCAACCAAATTTCTGAAAGGAGTTCACACAAGCAGTGAGGCATACTGCTACAGGCTT-3'